The following is an entry in ClinVar:

ClinVar aggregate classification (germline): Pathogenic. Review status: criteria provided, multiple submitters, no conflicts (2 of 4 stars). 2 submissions from 2 submitters: Pathogenic (2). Last evaluated 2022-05-24.

Conditions:
Hereditary cancer-predisposing syndrome. Also called: Hereditary neoplastic syndrome; Tumor predisposition; Hereditary Cancer Syndrome; Neoplastic Syndromes, Hereditary. Identifiers: Orphanet 140162, MedGen C0027672, MeSH D009386, MONDO:0015356.

Submissions (2):

Ambry Genetics
Classification: Pathogenic for Hereditary cancer-predisposing syndrome. Last evaluated: 2022-05-24. Review status: criteria provided, single submitter. Criteria: Ambry Variant Classification Scheme 2023. Collection method: clinical testing. Allele origin: germline.
Comment: The c.1190_1191delCA pathogenic mutation, located in coding exon 4 of the PALB2 gene, results from a deletion of two nucleotides at nucleotide positions 1190 to 1191, causing a translational frameshift with a predicted alternate stop codon (p.T397Sfs*3). This variant is considered to be rare based on population cohorts in the Genome Aggregation Database (gnomAD). This alteration is expected to result in loss of function by premature protein truncation or nonsense-mediated mRNA decay. As such, this alteration is interpreted as a disease-causing mutation.

Color Diagnostics, LLC DBA Color Health
Classification: Pathogenic for Hereditary cancer-predisposing syndrome. Last evaluated: 2022-03-11. Review status: criteria provided, single submitter. Criteria: ACMG Guidelines, 2015. Collection method: clinical testing. Allele origin: germline.
Comment: This variant deletes 2 nucleotides in exon 4 of the PALB2 gene, creating a frameshift and premature translation stop signal. This variant is expected to result in an absent or non-functional protein product. To our knowledge, this variant has not been reported in individuals affected with hereditary cancer in the literature. This variant has not been identified in the general population by the Genome Aggregation Database (gnomAD). Loss of PALB2 function is a known mechanism of disease. Based on the available evidence, this variant is classified as Pathogenic.

NM_024675.4(PALB2):c.1190_1191del (p.Thr397fs)

Gene: PALB2 (partner and localizer of BRCA2; minus strand). Cytogenetic location: 16p12.2.
Variant type: Microsatellite.
Coding change: c.1190_1191del on transcript NM_024675.4 (MANE Select); coding-DNA positions 1190 to 1191, 2 bases deleted (CA; older notation c.1190_1191delCA).
Protein change: p.Thr397fs; shifts the reading frame from threonine 397.
Molecular consequence: frameshift variant.
Genome position (GRCh38, 1-based): chr16:23,635,355-23,635,356, TG deleted on the plus strand (CA on the coding strand, the reverse complement: PALB2 is on the minus strand); deleting any 2 consecutive bases within chr16:23,635,355-23,635,358 gives the same sequence; the c. name uses the placement nearest the transcript's 3' end. VCF-style (leftmost placement, unchanged base first): chr16-23635354-CTG-C. GRCh37 (hg19) VCF-style: chr16-23646675-CTG-C.
Other names: c.1190_1191delCA (NM_024675.3); short protein forms T397fs.
Identifiers: ClinVar variation 492152 (VCV000492152.7), dbSNP rs1555461408, ClinGen allele CA658683914.